The following is an entry in ClinVar:

NM_000260.4(MYO7A):c.2447G>A (p.Arg816His)

Gene: MYO7A (myosin VIIA; plus strand). Cytogenetic location: 11q13.5.
Variant type: single nucleotide variant.
Coding change: c.2447G>A on transcript NM_000260.4 (MANE Select); coding-DNA position 2447, G replaced by A.
Protein change: p.Arg816His; replaces arginine 816 with histidine.
Molecular consequence: missense variant.
Genome position (GRCh38, 1-based): chr11:77,179,814, G>A. VCF-style: chr11-77179814-G-A. GRCh37 (hg19) VCF-style: chr11-76890860-G-A.
Other names: c.2447G>A, p.Arg816His (NM_001127180.2); c.2414G>A, p.Arg805His (NM_001369365.1); short protein forms R816H, R805H.
Identifiers: ClinVar variation 43183 (VCV000043183.25), dbSNP rs148343670, ClinGen allele CA132249.

ClinVar aggregate classification (germline): Conflicting classifications of pathogenicity. Review status: criteria provided, conflicting classifications (1 of 4 stars). 9 submissions from 7 submitters: Uncertain significance (1); Benign (3); Likely benign (4). 1 of the submissions does not count toward it. Last evaluated 2026-01-28.

Conditions:
Usher syndrome type 1 (USH1). Also called: RETINITIS PIGMENTOSA AND CONGENITAL DEAFNESS. Identifiers: Orphanet 231169, Orphanet 886, MedGen C1568247, MONDO:0010168, OMIM 276900.
Autosomal dominant nonsyndromic hearing loss 11. Identifiers: Orphanet 90635, MedGen C1832475, MONDO:0011032, OMIM 601317.
Usher syndrome type 1B (USH1B). Also called: Usher syndrome type IB. Identifiers: MedGen C1848638, MONDO:0700087.
Autosomal recessive nonsyndromic hearing loss 2. Also called: DEAFNESS, AUTOSOMAL RECESSIVE 2; NEUROSENSORY NONSYNDROMIC RECESSIVE DEAFNESS 2. Identifiers: Orphanet 90636, MedGen C1838701, MONDO:0010807, OMIM 600060.

Allele frequency attached by ClinVar (database versions not stated): TOPMed 0.00273; 1000 Genomes Project 0.00280; 1000 Genomes Project 30x 0.00297; ESP Exome Variant Server 0.00320.
gnomAD v4.1: 834 of 1,547,164 alleles (0.054%); highest among the groups gnomAD compares: African/African-American, 0.94%; 8 homozygotes.

Submissions (9):

Labcorp Genetics (formerly Invitae), Labcorp
Classification: Benign. Last evaluated: 2026-01-28. Review status: criteria provided, single submitter. Criteria: Invitae Variant Classification Sherloc (09022015). Collection method: clinical testing. Allele origin: germline.

Blueprint Genetics
Classification: Likely benign. Last evaluated: 2024-10-21. Review status: criteria provided, single submitter. Criteria: ACMG Guidelines, 2015. Collection method: clinical testing. Allele origin: germline.

GeneDx
Classification: Likely benign. Last evaluated: 2021-05-15. Review status: criteria provided, single submitter. Criteria: GeneDx Variant Classification Process June 2021. Collection method: clinical testing. Allele origin: germline. Affected: yes.

Illumina Laboratory Services, Illumina
Classification: Likely benign for Usher syndrome type 1. Last evaluated: 2018-01-13. Review status: criteria provided, single submitter. Criteria: ICSL Variant Classification Criteria 13 December 2019. Collection method: clinical testing. Allele origin: germline.
Comment: This variant was observed in the ICSL laboratory as part of a predisposition screen in an ostensibly healthy population. It had not been previously curated by ICSL or reported in the Human Gene Mutation Database (HGMD: prior to June 1st, 2018), and was therefore a candidate for classification through an automated scoring system. Utilizing variant allele frequency, disease prevalence and penetrance estimates, and inheritance mode, an automated score was calculated to assess if this variant is too frequent to cause the disease. Based on the score and internal cut-off values, a variant classified as likely benign is not then subjected to further curation. The score for this variant resulted in a classification of likely benign for this disease.

Illumina Laboratory Services, Illumina
Classification: Benign for Autosomal dominant nonsyndromic hearing loss 11. Last evaluated: 2018-01-13. Review status: criteria provided, single submitter. Criteria: ICSL Variant Classification Criteria 13 December 2019. Collection method: clinical testing. Allele origin: germline.
Comment: This variant was observed in the ICSL laboratory as part of a predisposition screen in an ostensibly healthy population. It had not been previously curated by ICSL or reported in the Human Gene Mutation Database (HGMD: prior to June 1st, 2018), and was therefore a candidate for classification through an automated scoring system. Utilizing variant allele frequency, disease prevalence and penetrance estimates, and inheritance mode, an automated score was calculated to assess if this variant is too frequent to cause the disease. Based on the score and internal cut-off values, a variant classified as benign is not then subjected to further curation. The score for this variant resulted in a classification of benign for this disease.

Illumina Laboratory Services, Illumina
Classification: Uncertain significance for Autosomal recessive nonsyndromic hearing loss 2. Last evaluated: 2018-01-13. Review status: criteria provided, single submitter. Criteria: ICSL Variant Classification Criteria 13 December 2019. Collection method: clinical testing. Allele origin: germline.

Eurofins Ntd Llc (ga)
Classification: Likely benign. Last evaluated: 2015-10-01. Review status: criteria provided, single submitter. Criteria: EGL Classification Definitions 2015. Collection method: clinical testing. Allele origin: germline. Observed: 1 variant allele, 1 heterozygote.

Laboratory for Molecular Medicine, Mass General Brigham Personalized Medicine
Classification: Benign. Last evaluated: 2012-05-15. Review status: criteria provided, single submitter. Criteria: LMM Criteria. Collection method: clinical testing. Allele origin: germline. Observed: 4 variant alleles.
Comment: Arg816His in Exon 21 of MYO7A: This variant is not expected to have clinical sig nificance because it has been identified in 0.8% (27/3186) of African American c hromosomes from a broad population by the NHLBI Exome Sequencing Project (dbSNP rs148343670).

Natera, Inc.
Classification: Benign for Usher syndrome type 1B. Last evaluated: 2019-12-04. Review status: no assertion criteria provided. Collection method: clinical testing. Allele origin: germline. Not counted in ClinVar's aggregate classification.